The following is an entry in ClinVar:

NM_012203.2(GRHPR):c.214+1G>A

Gene: GRHPR (glyoxylate and hydroxypyruvate reductase; plus strand). Cytogenetic location: 9p13.2.
Variant type: single nucleotide variant.
Coding change: c.214+1G>A on transcript NM_012203.2 (MANE Select); the canonical splice donor site of the intron after coding-DNA position 214, G replaced by A.
Molecular consequence: splice donor variant.
Genome position (GRCh38, 1-based): chr9:37,424,976, G>A. VCF-style: chr9-37424976-G-A. GRCh37 (hg19) VCF-style: chr9-37424973-G-A.
Identifiers: ClinVar variation 3020687 (VCV003020687.5), dbSNP rs1244822375, ClinGen allele CA373441758.

ClinVar aggregate classification (germline): Likely pathogenic. Review status: criteria provided, single submitter (1 of 4 stars). 2 submissions from 2 submitters: Likely pathogenic (1). 1 of the submissions does not count toward it. Last evaluated 2023-01-01.

Conditions:
Primary hyperoxaluria, type II (HP2). Also called: D-GLYCERATE DEHYDROGENASE DEFICIENCY; GLYCERIC ACIDURIA; GLYOXYLATE REDUCTASE/HYDROXYPYRUVATE REDUCTASE DEFICIENCY; Primary hyperoxaluria type 2; OXALOSIS II. Identifiers: Orphanet 416, Orphanet 93599, MedGen C0268165, MONDO:0009824, OMIM 260000. Disease mechanism: loss of function.

Submissions (2):

Labcorp Genetics (formerly Invitae), Labcorp
Classification: Likely pathogenic. Last evaluated: 2023-01-01. Review status: criteria provided, single submitter. Criteria: Invitae Variant Classification Sherloc (09022015). Collection method: clinical testing. Allele origin: germline.
Comment: In summary, the currently available evidence indicates that the variant is pathogenic, but additional data are needed to prove that conclusively. Therefore, this variant has been classified as Likely Pathogenic. Algorithms developed to predict the effect of sequence changes on RNA splicing suggest that this variant may disrupt the consensus splice site. Disruption of this splice site has been observed in individual(s) with clinical features of primary hyperoxaluria (PMID: 35149915). This variant is not present in population databases (gnomAD no frequency). This sequence change affects a donor splice site in intron 2 of the GRHPR gene. It is expected to disrupt RNA splicing. Variants that disrupt the donor or acceptor splice site typically lead to a loss of protein function (PMID: 16199547), and loss-of-function variants in GRHPR are known to be pathogenic (PMID: 25644115).

Chinese Inherited Urolithiasis Consortium, The Affiliated Yantai Yuhuangding Hospital of Qingdao University
Classification: Pathogenic for Primary hyperoxaluria, type II. Last evaluated: 2024-08-26. Review status: no assertion criteria provided. Collection method: clinical testing. Allele origin: paternal. Affected: yes. Observed: 1 variant allele. Not counted in ClinVar's aggregate classification.

Literature cited by the submitters: PubMed 35149915 (cited by Labcorp Genetics (formerly Invitae), Labcorp); PubMed 16199547 (cited by Labcorp Genetics (formerly Invitae), Labcorp); PubMed 25644115 (cited by Labcorp Genetics (formerly Invitae), Labcorp).